The following is an entry in ClinVar:

NM_000388.4(CASR):c.428G>A (p.Gly143Glu)

Gene: CASR (calcium sensing receptor; plus strand). Cytogenetic location: 3q21.1.
Variant type: single nucleotide variant.
Coding change: c.428G>A on transcript NM_000388.4 (MANE Select); coding-DNA position 428, G replaced by A.
Protein change: p.Gly143Glu; replaces glycine 143 with glutamic acid.
Molecular consequence: missense variant.
Genome position (GRCh38, 1-based): chr3:122,257,323, G>A. VCF-style: chr3-122257323-G-A. GRCh37 (hg19) VCF-style: chr3-121976170-G-A.
Other names: G144E; c.428G>A, p.Gly143Glu (NM_001178065.2); c.428G>A (NM_001178065.1); short protein forms G143E.
Identifiers: ClinVar variation 8333 (VCV000008333.15), dbSNP rs121909264, ClinGen allele CA119503.

ClinVar aggregate classification (germline): Pathogenic. Review status: criteria provided, multiple submitters, no conflicts (2 of 4 stars). 6 submissions from 6 submitters: Pathogenic (5). 1 of the submissions does not count toward it. Last evaluated 2025-12-01.

Conditions:
CASR-related disorder. Also called: CASR-related condition.
Familial hypocalciuric hypercalcemia (FHH). Also called: Familial benign hypercalcemia. Identifiers: Orphanet 405, MedGen C1809471, MONDO:0018458.
Autosomal dominant hypocalcemia 1 (HYPOC1). Also called: HYPOCALCEMIA, FAMILIAL. Identifiers: MedGen C3715128, MONDO:0011013, OMIM 601198.
Familial hypocalciuric hypercalcemia 1. Also called: Hypercalcemia, familial benign type 1. Identifiers: Orphanet 405, Orphanet 93372, MedGen C0342637, MONDO:0007791, OMIM 145980.

Allele frequency attached by ClinVar (database versions not stated): gnomAD exomes below 0.00001.
gnomAD v4.1: 1 of 1,614,130 alleles (0.000062%); highest among the groups gnomAD compares: Non-Finnish European, 0.000085%; no homozygotes.

Submissions (6):

Labcorp Genetics (formerly Invitae), Labcorp
Classification: Pathogenic for Familial hypocalciuric hypercalcemia; Autosomal dominant hypocalcemia 1. Last evaluated: 2025-12-01. Review status: criteria provided, single submitter. Criteria: Invitae Variant Classification Sherloc (09022015). Collection method: clinical testing. Allele origin: germline.
Comment: This sequence change replaces glycine, which is neutral and non-polar, with glutamic acid, which is acidic and polar, at codon 143 of the CASR protein (p.Gly143Glu). This variant is not present in population databases (gnomAD no frequency). This missense change has been observed in individual(s) with familial hypocalciuric hypercalcemia (FHH) (PMID: 1302026, 7726161, 26963950). It has also been observed to segregate with disease in related individuals. Invitae Evidence Modeling of clinical and family history, age, sex, and reported ancestry of multiple individuals with this CASR variant has been performed. This variant is expected to be pathogenic with a positive predictive value of at least 99%. This is a validated machine learning model that incorporates the clinical features of 646,172 individuals referred to our laboratory for CASR testing. This variant is also known as Gly144Glu. ClinVar contains an entry for this variant (Variation ID: 8333). An algorithm developed to predict the effect of missense changes on protein structure and function (PolyPhen-2) suggests that this variant is likely to be disruptive. Experimental studies have shown that this missense change affects CASR function (PMID: 8702647, 10077597, 12095982, 12114500, 12890593, 19389809, 23077345). This variant disrupts the p.Gly143 amino acid residue in CASR. Other variant(s) that disrupt this residue have been determined to be pathogenic (PMID: 19179454, 32347971; internal data). This suggests that this residue is clinically significant, and that variants that disrupt this residue are likely to be disease-causing. For these reasons, this variant has been classified as Pathogenic.

PreventionGenetics, part of Exact Sciences
Classification: Pathogenic for CASR-related condition. Last evaluated: 2025-04-02. Review status: criteria provided, single submitter. Criteria: ACMG Guidelines, 2015. Collection method: clinical testing. Allele origin: germline.
Comment: The CASR c.428G>A variant is predicted to result in the amino acid substitution p.Gly143Glu. This variant has been reported to segregate with disease in a large family with hypocalciuric hypercalcemia (referred to as Gly144Glu, Chou et al. 1995. PubMed ID: 7726161) and was also detected in an unrelated individual with hypocalciuric hypercalcemia (Vargas-Poussou et al. 2016. PubMed ID: 26963950). In vitro experimental studies indicate this variant impacts protein function (see, for example, Bai et al. 1996. PubMed ID: 8702647; Zhang et al. 2002. PubMed ID: 12114500; White et al. 2009. PubMed ID: 19389809). An alternate missense variant affecting the same amino acid (p.Gly143Arg) has also been reported in individuals with familial hypocalciuric hypercalcemia (Cole et al. 2009. PubMed ID: 19179454). This variant has not been reported in a large population database (gnomAD), indicating it is rare. This variant is interpreted as pathogenic.

Women's Health and Genetics/Laboratory Corporation of America, LabCorp
Classification: Pathogenic for Familial hypocalciuric hypercalcemia. Last evaluated: 2022-06-02. Review status: criteria provided, single submitter. Criteria: LabCorp Variant Classification Summary - May 2015. Collection method: clinical testing. Allele origin: germline.
Comment: Variant summary: CASR c.428G>A (p.Gly143Glu) results in a non-conservative amino acid change located in the Receptor, ligand binding region of the encoded protein sequence. Five of five in-silico tools predict a damaging effect of the variant on protein function. The variant was absent in 251406 control chromosomes. c.428G>A has been reported in the literature in multiple individuals affected with Familial Hypocalciuric Hypercalcemia (examples: Chou_1992, Chou_1995, Vargas-Poussou_2016, etc). At least one publication reports the variant to lead to defective localization to plasma membrane compared to WT (White_2009). Two clinical diagnostic laboratories have submitted clinical-significance assessments for this variant to ClinVar after 2014 without evidence for independent evaluation. All laboratories classified the variant as pathogenic/likely pathogenic. Based on the evidence outlined above, the variant was classified as pathogenic.

Blueprint Genetics
Classification: Pathogenic for CASR-related disorders. Last evaluated: 2021-11-18. Review status: criteria provided, single submitter. Criteria: ACMG Guidelines, 2015. Collection method: clinical testing. Allele origin: germline. Affected: yes. Observed: 5 variant alleles.

Molecular Diagnostics Lab, Nemours Children's Health, Delaware
Classification: Pathogenic. Last evaluated: 2015-12-30. Review status: criteria provided, single submitter. Criteria: ACMG Guidelines, 2015. Collection method: clinical testing. Allele origin: unknown. Affected: yes. Observed: 1 heterozygote.

OMIM
Classification: Pathogenic for HYPOCALCIURIC HYPERCALCEMIA, FAMILIAL, TYPE I. Last evaluated: 1995-05-01. Review status: no assertion criteria provided. Collection method: literature only. Allele origin: germline. Not counted in ClinVar's aggregate classification.

Literature cited by the submitters: PubMed 1302026 (cited by Labcorp Genetics (formerly Invitae), Labcorp and Women's Health and Genetics/Laboratory Corporation of America, LabCorp); PubMed 7726161 (cited by 4 submitters); PubMed 26963950 (cited by Labcorp Genetics (formerly Invitae), Labcorp and Women's Health and Genetics/Laboratory Corporation of America, LabCorp); PubMed 8702647 (cited by Labcorp Genetics (formerly Invitae), Labcorp); PubMed 10077597 (cited by Labcorp Genetics (formerly Invitae), Labcorp); PubMed 12095982 (cited by Labcorp Genetics (formerly Invitae), Labcorp); PubMed 12114500 (cited by Labcorp Genetics (formerly Invitae), Labcorp); PubMed 12890593 (cited by Labcorp Genetics (formerly Invitae), Labcorp); PubMed 19389809 (cited by Labcorp Genetics (formerly Invitae), Labcorp and Women's Health and Genetics/Laboratory Corporation of America, LabCorp); PubMed 23077345 (cited by Labcorp Genetics (formerly Invitae), Labcorp); PubMed 19179454 (cited by Labcorp Genetics (formerly Invitae), Labcorp); PubMed 32347971 (cited by Labcorp Genetics (formerly Invitae), Labcorp).